The following is an entry in ClinVar:

ClinVar aggregate classification (germline): Benign (1 of 4 stars; one submission).

Submission:

ISCA site 4
Classification: Benign. Last evaluated: 2011-08-12. Review status: criteria provided, single submitter. Criteria: Kaminsky et al. (Genet Med. 2011). Collection method: clinical testing. Allele origin: unknown. Affected: yes. Observed: 1 variant allele.
Comment: Copy number variation identified through the course of routine clinical cytogenomic testing in postnatal populations. Clinical assertions have been curated as described in Kaminsky et al. 2011.

GRCh38/hg38 5q35.3(chr5:181033562-181131973)x3

Genes: BTNL9 (butyrophilin like 9; plus strand), MIR8089 (microRNA 8089; minus strand), OR2V1 (olfactory receptor family 2 subfamily V member 1; minus strand), TRL-AAG1-1 (tRNA-Leu (anticodon AAG) 1-1; minus strand), TRL-AAG1-2 (tRNA-Leu (anticodon AAG) 1-2; plus strand) and 2 more. Cytogenetic location: 5q35.3.
Variant type: copy number gain.
Change: copy number 3 (three copies instead of two) of chr5:181,033,562-181,131,973 (98.4 kb, GRCh38 coordinates, 1-based), cytogenetic band 5q35.3.
Identifiers: ClinVar variation 57502 (VCV000057502.1).